The following is an entry in ClinVar:

NM_006612.6(KIF1C):c.3049G>A (p.Ala1017Thr)

Gene: KIF1C (kinesin family member 1C; plus strand). Cytogenetic location: 17p13.2.
Variant type: single nucleotide variant.
Coding change: c.3049G>A on transcript NM_006612.6 (MANE Select); coding-DNA position 3049, G replaced by A.
Protein change: p.Ala1017Thr; replaces alanine 1017 with threonine.
Molecular consequence: missense variant.
Genome position (GRCh38, 1-based): chr17:5,023,888, G>A. VCF-style: chr17-5023888-G-A. GRCh37 (hg19) VCF-style: chr17-4927183-G-A.
Other names: short protein forms A1017T.
Identifiers: ClinVar variation 705789 (VCV000705789.22), dbSNP rs185185243, ClinGen allele CA8319465.

ClinVar aggregate classification (germline): Benign/Likely benign. Review status: criteria provided, multiple submitters, no conflicts (2 of 4 stars). 3 submissions from 3 submitters: Benign (1); Likely benign (2). Last evaluated 2025-12-01.

Conditions:
Spastic ataxia 2. Also called: Ataxia, spastic, 2, autosomal recessive. Identifiers: Orphanet 397946, MedGen C1969796, MONDO:0012651, OMIM 611302.
Hereditary spastic paraplegia. Also called: Familial spastic paraparesis. Identifiers: Orphanet 685, MedGen C0037773, MONDO:0019064. Disease mechanism: loss of function.

Allele frequency attached by ClinVar (database versions not stated): gnomAD 0.00031 and 0.00045; TOPMed 0.00074; ExAC 0.00127; gnomAD exomes 0.00140; 1000 Genomes Project 30x 0.00172; 1000 Genomes Project 0.00200.
gnomAD v4.1: 588 of 1,544,144 alleles (0.038%); highest among the groups gnomAD compares: East Asian, 1.2%; 2 homozygotes.

Submissions (3):

Labcorp Genetics (formerly Invitae), Labcorp
Classification: Benign for Spastic ataxia 2. Last evaluated: 2025-12-01. Review status: criteria provided, single submitter. Criteria: Invitae Variant Classification Sherloc (09022015). Collection method: clinical testing. Allele origin: germline.

CeGaT Center for Human Genetics Tuebingen
Classification: Likely benign. Last evaluated: 2025-10-01. Review status: criteria provided, single submitter. Criteria: CeGaT Center For Human Genetics Tuebingen Variant Classification Criteria Version 2. Collection method: clinical testing. Allele origin: germline. Affected: yes. Observed: 1 variant allele.
Comment: KIF1C: BS1

Genome Diagnostics Laboratory, The Hospital for Sick Children
Classification: Likely benign for Hereditary spastic paraplegia. Last evaluated: 2022-01-14. Review status: criteria provided, single submitter. Criteria: ACMG Guidelines, 2015. Collection method: clinical testing. Allele origin: germline. Affected: yes.